The following is an entry in ClinVar:

NM_004385.5(VCAN):c.9290C>G (p.Pro3097Arg)

Genes: VCAN (versican; plus strand), VCAN-AS1 (VCAN antisense RNA 1; minus strand). Cytogenetic location: 5q14.3.
Variant type: single nucleotide variant.
Coding change: c.9290C>G on transcript NM_004385.5 (MANE Select); coding-DNA position 9290, C replaced by G.
Protein change: p.Pro3097Arg; replaces proline 3097 with arginine.
Molecular consequence: missense variant.
Genome position (GRCh38, 1-based): chr5:83,545,561, C>G. VCF-style: chr5-83545561-C-G. GRCh37 (hg19) VCF-style: chr5-82841380-C-G.
Other names: c.1067C>G, p.Pro356Arg (NM_001126336.3); c.6329C>G, p.Pro2110Arg (NM_001164097.2); c.4028C>G, p.Pro1343Arg (NM_001164098.2); short protein forms P3097R, P1343R, P2110R, P356R.
Identifiers: ClinVar variation 3654458 (VCV003654458.2).

ClinVar aggregate classification (germline): Uncertain significance (1 of 4 stars; one submission).

gnomAD v4.1: 2 of 1,613,942 alleles (0.00012%); highest among the groups gnomAD compares: African/African-American, 0.0027%; no homozygotes.

Submission:

Labcorp Genetics (formerly Invitae), Labcorp
Classification: Uncertain significance. Last evaluated: 2024-05-23. Review status: criteria provided, single submitter. Criteria: Invitae Variant Classification Sherloc (09022015). Collection method: clinical testing. Allele origin: germline.
Comment: This sequence change replaces proline, which is neutral and non-polar, with arginine, which is basic and polar, at codon 3097 of the VCAN protein (p.Pro3097Arg). This variant is present in population databases (no rsID available, gnomAD 0.01%). This variant has not been reported in the literature in individuals affected with VCAN-related conditions. An algorithm developed to predict the effect of missense changes on protein structure and function (PolyPhen-2) suggests that this variant is likely to be disruptive. In summary, the available evidence is currently insufficient to determine the role of this variant in disease. Therefore, it has been classified as a Variant of Uncertain Significance.